The following is an entry in ClinVar:

NM_001754.5(RUNX1):c.135C>T (p.Thr45=)

Gene: RUNX1 (RUNX family transcription factor 1; minus strand). Cytogenetic location: 21q22.12.
Variant type: single nucleotide variant.
Coding change: c.135C>T on transcript NM_001754.5 (MANE Select); coding-DNA position 135, C replaced by T.
Protein change: p.Thr45=; no amino-acid change (threonine 45 retained).
Molecular consequence: synonymous variant.
Genome position (GRCh38, 1-based): chr21:34,887,059, G>A on the plus strand (C>T on the coding strand, the complement: RUNX1 is on the minus strand). VCF-style: chr21-34887059-G-A. GRCh37 (hg19) VCF-style: chr21-36259356-G-A.
Other names: NM_001754.5(RUNX1):c.135C>T; p.Thr45=; c.54C>T, p.Thr18= (NM_001001890.3, NM_001122607.2).
Identifiers: ClinVar variation 2121544 (VCV002121544.6), dbSNP rs1378434360, ClinGen allele CA512318973.

ClinVar aggregate classification (germline): Uncertain significance. Review status: reviewed by expert panel (3 of 4 stars). 3 submissions from 3 submitters: Uncertain significance (1). 2 of the submissions do not count toward it. Last evaluated 2024-09-25.

Conditions:
Hereditary thrombocytopenia and hematological cancer predisposition syndrome associated with RUNX1. Also called: Familial Platelet Disorder with Propensity to Acute Myelogenous Leukemia; Familial thrombocytopenia with propensity to acute myelogenous leukemia; PLATELET DISORDER, ASPIRIN-LIKE; RUNX1 Familial Platelet Disorder with Associated Myeloid Malignancies. Identifiers: Orphanet 71290, MedGen C1832388, MeSH C563324, MONDO:0100083, OMIM 601399.
Hereditary thrombocytopenia and hematologic cancer predisposition syndrome. Identifiers: Orphanet 71290, MedGen CN281654, MONDO:0011071.
Inborn genetic diseases. Identifiers: MedGen C0950123, MeSH D030342.

Allele frequency attached by ClinVar (database versions not stated): gnomAD exomes below 0.00001.
gnomAD v4.1: 2 of 1,599,950 alleles (0.00013%); highest among the groups gnomAD compares: East Asian, 0.0045%; no homozygotes.

Submissions (3):

ClinGen Myeloid Malignancy Variant Curation Expert Panel
Classification: Uncertain significance for Hereditary thrombocytopenia and hematologic cancer predisposition syndrome. Last evaluated: 2024-09-25. Review status: reviewed by expert panel. Criteria: ClinGen MyeloMalig ACMG Specifications v2. Collection method: curation. Allele origin: germline. Inheritance: Autosomal dominant inheritance.
Comment: NM_001754.5(RUNX1):c.135C>T (p.Thr45=) is a synonymous variant which has a SpliceAI score ≤ 0.20 (0.03) (BP4). This variant is completely absent from all population databases with at least 20x coverage for RUNX1 (PM2_Supporting). In summary, the clinical significance of this variant is uncertain. ACMG/AMP criteria applied, as specified by the Myeloid Malignancy Variant Curation Expert Panel for RUNX1: BP4, PM2_supporting.

Ambry Genetics
Classification: Likely benign for Inborn genetic diseases. Last evaluated: 2025-05-08. Review status: criteria provided, single submitter. Criteria: Ambry Variant Classification Scheme 2023. Collection method: clinical testing. Allele origin: germline. Not counted in ClinVar's aggregate classification.

Labcorp Genetics (formerly Invitae), Labcorp
Classification: Likely benign for Hereditary thrombocytopenia and hematological cancer predisposition syndrome associated with RUNX1. Last evaluated: 2025-01-27. Review status: criteria provided, single submitter. Criteria: Invitae Variant Classification Sherloc (09022015). Collection method: clinical testing. Allele origin: germline. Not counted in ClinVar's aggregate classification.